The following is an entry in ClinVar:

ClinVar aggregate classification (germline): Uncertain significance (1 of 4 stars; one submission).

Allele frequency attached by ClinVar (database versions not stated): gnomAD exomes 0.00001; TOPMed 0.00001.
gnomAD v4.1: 3 of 1,533,358 alleles (0.0002%); highest among the groups gnomAD compares: Non-Finnish European, 0.00026%; no homozygotes.

Submission:

Ambry Genetics
Classification: Uncertain significance. Last evaluated: 2021-12-12. Review status: criteria provided, single submitter. Criteria: Ambry Variant Classification Scheme 2023. Collection method: clinical testing. Allele origin: germline.
Comment: The p.A28V variant (also known as c.83C>T), located in coding exon 1 of the PRKDC gene, results from a C to T substitution at nucleotide position 83. The alanine at codon 28 is replaced by valine, an amino acid with similar properties. This amino acid position is conserved. In addition, this alteration is predicted to be tolerated by in silico analysis. Since supporting evidence is limited at this time, the clinical significance of this alteration remains unclear.

NM_006904.7(PRKDC):c.83C>T (p.Ala28Val)

Genes: PRKDC (protein kinase, DNA-activated, catalytic subunit; minus strand), LOC129929030 (ATAC-STARR-seq lymphoblastoid silent region 19177; plus strand). Cytogenetic location: 8q11.21.
Variant type: single nucleotide variant.
Coding change: c.83C>T on transcript NM_006904.7 (MANE Select); coding-DNA position 83, C replaced by T.
Protein change: p.Ala28Val; replaces alanine 28 with valine.
Molecular consequence: missense variant.
Genome position (GRCh38, 1-based): chr8:47,960,044, G>A on the plus strand (C>T on the coding strand, the complement: PRKDC is on the minus strand). VCF-style: chr8-47960044-G-A. GRCh37 (hg19) VCF-style: chr8-48872604-G-A.
Other names: c.83C>T, p.Ala28Val (NM_001081640.2); short protein forms A28V.
Identifiers: ClinVar variation 1763238 (VCV001763238.2), dbSNP rs1429188916, ClinGen allele CA371142860.